The following is an entry in ClinVar:

NM_000308.4(CTSA):c.188del (p.His63fs)

Gene: CTSA (cathepsin A; plus strand). Cytogenetic location: 20q13.12.
Variant type: Deletion.
Coding change: c.188del on transcript NM_000308.4 (MANE Select); coding-DNA position 188, one base deleted (A; older notation c.188delA).
Protein change: p.His63fs; shifts the reading frame from histidine 63.
Molecular consequence: frameshift variant. On other transcripts: non-coding transcript variant (1).
Genome position (GRCh38, 1-based): chr20:45,891,756, A deleted. VCF-style (leftmost placement, unchanged base first): chr20-45891755-CA-C. GRCh37 (hg19) VCF-style: chr20-44520394-CA-C.
Other names: c.188del, p.His63fs (NM_001127695.3, NM_001167594.3); short protein forms H63fs.
Identifiers: ClinVar variation 3686079 (VCV003686079.2).
Genomic context (GRCh38, chr20:45,891,755, plus strand): 5'-AAGCAGCCGTCTTTCCGCCAGTACTCCGGCTACCTCAAAGGCTCCGGCTCCAAGCACCTC[CA>C]CTACTGGTCTGCCGCCCTGCCTTCTGGGCGGGATTGGGAGAAGAGATGACGGATGAGGGA-3'

ClinVar aggregate classification (germline): Pathogenic (1 of 4 stars; one submission).

Conditions:
Combined deficiency of sialidase AND beta galactosidase (GSL). Also called: CATHEPSIN A DEFICIENCY; GOLDBERG SYNDROME; NEURAMINIDASE DEFICIENCY WITH BETA-GALACTOSIDASE DEFICIENCY; NEURAMINIDASE/BETA-GALACTOSIDASE EXPRESSION; PPCA DEFICIENCY; PROTECTIVE PROTEIN/CATHEPSIN A DEFICIENCY. Identifiers: Orphanet 351, MedGen C0268233, MONDO:0009737, OMIM 256540.

Submission:

Labcorp Genetics (formerly Invitae), Labcorp
Classification: Pathogenic for Combined deficiency of sialidase AND beta galactosidase. Last evaluated: 2024-03-13. Review status: criteria provided, single submitter. Criteria: Invitae Variant Classification Sherloc (09022015). Collection method: clinical testing. Allele origin: germline.
Comment: This sequence change creates a premature translational stop signal (p.His81Profs*29) in the CTSA gene. It is expected to result in an absent or disrupted protein product. Loss-of-function variants in CTSA are known to be pathogenic (PMID: 15110321, 23915561). This variant is present in population databases (no rsID available, gnomAD 0.007%). This variant has not been reported in the literature in individuals affected with CTSA-related conditions. Algorithms developed to predict the effect of sequence changes on RNA splicing suggest that this variant may disrupt the consensus splice site. For these reasons, this variant has been classified as Pathogenic.

Literature cited by the submitters: PubMed 15110321; PubMed 23915561.